The following is an entry in ClinVar:

NM_000176.3(NR3C1):c.1401A>C (p.Lys467Asn)

Gene: NR3C1 (nuclear receptor subfamily 3 group C member 1; minus strand). Cytogenetic location: 5q31.3.
Variant type: single nucleotide variant.
Coding change: c.1401A>C on transcript NM_000176.3 (MANE Select); coding-DNA position 1401, A replaced by C.
Protein change: p.Lys467Asn; replaces lysine 467 with asparagine.
Molecular consequence: missense variant. On other transcripts: non-coding transcript variant (1).
Genome position (GRCh38, 1-based): chr5:143,310,164, T>G on the plus strand (A>C on the coding strand, the complement: NR3C1 is on the minus strand). VCF-style: chr5-143310164-T-G. GRCh37 (hg19) VCF-style: chr5-142689729-T-G.
Other names: c.1401A>C, p.Lys467Asn (NM_001018074.1, NM_001018075.1, NM_001018076.2 and 6 more transcripts); c.1404A>C, p.Lys468Asn (NM_001024094.2, NM_001364183.2, NM_001364184.2 and 1 more transcripts); c.1323A>C, p.Lys441Asn (NM_001204258.2); c.1146A>C, p.Lys382Asn (NM_001204259.2); c.1134A>C, p.Lys378Asn (NM_001204260.2); c.1110A>C, p.Lys370Asn (NM_001204261.2); c.456A>C, p.Lys152Asn (NM_001204262.2); c.411A>C, p.Lys137Asn (NM_001204263.2); and 1 more; short protein forms K132N, K137N, K152N, K370N, K378N, K382N, K441N, K467N.
Identifiers: ClinVar variation 3900456 (VCV003900456.1).

ClinVar aggregate classification (germline): Uncertain significance (1 of 4 stars; one submission).

gnomAD v4.1: 2 of 1,613,902 alleles (0.00012%); highest among the groups gnomAD compares: Non-Finnish European, 0.00017%; no homozygotes.

Submission:

GeneDx
Classification: Uncertain significance. Last evaluated: 2024-11-22. Review status: criteria provided, single submitter. Criteria: GeneDx Variant Classification Process June 2021. Collection method: clinical testing. Allele origin: germline. Affected: yes.
Comment: Not observed at significant frequency in large population cohorts (gnomAD); In silico analysis supports that this missense variant has a deleterious effect on protein structure/function; Has not been previously published as pathogenic or benign to our knowledge